The following is an entry in ClinVar:

ClinVar aggregate classification (germline): Conflicting classifications of pathogenicity. Review status: criteria provided, conflicting classifications (1 of 4 stars). 3 submissions from 3 submitters: Uncertain significance (2); Likely benign (1). Last evaluated 2021-07-02.

Conditions:
Hereditary breast ovarian cancer syndrome. Also called: BRCA1- and BRCA2-Associated Hereditary Breast and Ovarian Cancer; Hereditary breast and ovarian cancer syndrome (HBOC); Hereditary breast and ovarian cancer syndrome; Breast and ovarian cancer; Hereditary breast and ovarian cancer; Hereditary breast and/or ovarian cancer syndrome. Identifiers: Orphanet 145, MedGen C0677776, MeSH D061325, MONDO:0003582. Disease mechanism: loss of function.
Hereditary cancer-predisposing syndrome. Also called: Hereditary Cancer Syndrome; Hereditary neoplastic syndrome; Neoplastic Syndromes, Hereditary; Tumor predisposition. Identifiers: Orphanet 140162, MedGen C0027672, MeSH D009386, MONDO:0015356.

Submissions (4):

Ambry Genetics
Classification: Likely benign for Hereditary cancer-predisposing syndrome. Last evaluated: 2021-07-02. Review status: criteria provided, single submitter. Criteria: Ambry Variant Classification Scheme 2023. Collection method: clinical testing. Allele origin: germline.

Labcorp Genetics (formerly Invitae), Labcorp
Classification: Uncertain significance for Hereditary breast ovarian cancer syndrome. Last evaluated: 2019-07-01. Review status: criteria provided, single submitter. Criteria: Invitae Variant Classification Sherloc (09022015). Collection method: clinical testing. Allele origin: germline.
Comment: This sequence change replaces glycine with alanine at codon 57 of the BRCA1 protein (p.Gly57Ala). The glycine residue is highly conserved and there is a small physicochemical difference between glycine and alanine. This variant is not present in population databases (ExAC no frequency). This variant has not been reported in the literature in individuals with BRCA1-related conditions. Algorithms developed to predict the effect of missense changes on protein structure and function are either unavailable or do not agree on the potential impact of this missense change (SIFT: "Tolerated"; PolyPhen-2: "Probably Damaging"; Align-GVGD: "Class C0"). In summary, the available evidence is currently insufficient to determine the role of this variant in disease. Therefore, it has been classified as a Variant of Uncertain Significance.

Quest Diagnostics Nichols Institute San Juan Capistrano
Classification: Uncertain significance. Last evaluated: 2019-05-31. Review status: criteria provided, single submitter. Criteria: Quest Diagnostics criteria. Collection method: clinical testing. Allele origin: germline.

Brotman Baty Institute, University of Washington
No classification provided (evidence only). Condition: Breast-ovarian cancer, familial 1. Review status: no classification provided. Collection method: in vitro. Allele origin: not applicable. Functional consequence: functionally_normal. Not counted in ClinVar's aggregate classification.
ClinVar note: "not provided" was previously submitted as the classification for the variant. However, the classification appeared to be based only on an observation of functional data so it was converted to no classification on 2025-07-30.

Literature cited by the submitters: PubMed 30209399 (cited by Ambry Genetics).

NM_007294.4(BRCA1):c.170G>C (p.Gly57Ala)

Gene: BRCA1 (BRCA1 DNA repair associated; minus strand). Cytogenetic location: 17q21.31.
Variant type: single nucleotide variant.
Coding change: c.170G>C on transcript NM_007294.4 (MANE Select); coding-DNA position 170, G replaced by C.
Protein change: p.Gly57Ala; replaces glycine 57 with alanine.
Molecular consequence: missense variant. On other transcripts: non-coding transcript variant (1).
Genome position (GRCh38, 1-based): chr17:43,106,498, C>G on the plus strand (G>C on the coding strand, the complement: BRCA1 is on the minus strand). VCF-style: chr17-43106498-C-G. GRCh37 (hg19) VCF-style: chr17-41258515-C-G.
Other names: c.-19G>C (NM_001407571.1, NM_001407853.1, NM_001407879.1 and 58 more transcripts); c.170G>C, p.Gly57Ala (NM_001407581.1, NM_001407582.1, NM_001407583.1 and 168 more transcripts); c.29G>C, p.Gly10Ala (NM_001407692.1, NM_001407694.1, NM_001407695.1 and 99 more transcripts); short protein forms G57A, G10A.
Identifiers: ClinVar variation 801060 (VCV000801060.17), dbSNP rs1597900455, ClinGen allele CA10601815.